The following is an entry in ClinVar:

ClinVar aggregate classification (germline): Pathogenic. Review status: criteria provided, multiple submitters, no conflicts (2 of 4 stars). 4 submissions from 4 submitters: Pathogenic (4). Last evaluated 2025-05-13.

Conditions:
Hereditary cancer-predisposing syndrome. Also called: Hereditary Cancer Syndrome; Neoplastic Syndromes, Hereditary; Tumor predisposition; Hereditary neoplastic syndrome. Identifiers: Orphanet 140162, MedGen C0027672, MeSH D009386, MONDO:0015356.
Ataxia-telangiectasia syndrome (AT). Also called: Cerebello-oculocutaneous telangiectasia; Immunodeficiency with ataxia telangiectasia; Ataxia-telangiectasia, complementation group E; Ataxia-telangiectasia, complementation group D; AT, COMPLEMENTATION GROUP C; ATAXIA-TELANGIECTASIA, COMPLEMENTATION GROUP A. Identifiers: Orphanet 100, MedGen C0004135, MONDO:0008840, OMIM 208900.
Familial cancer of breast. Also called: BREAST CANCER, FAMILIAL; Hereditary breast cancer; hereditary breast carcinoma. Identifiers: Orphanet 227535, MedGen C0346153, MONDO:0016419, OMIM 114480. Disease mechanism: loss of function.

Submissions (4):

Labcorp Genetics (formerly Invitae), Labcorp
Classification: Pathogenic for Ataxia-telangiectasia syndrome. Last evaluated: 2025-05-13. Review status: criteria provided, single submitter. Criteria: Invitae Variant Classification Sherloc (09022015). Collection method: clinical testing. Allele origin: germline.
Comment: This sequence change creates a premature translational stop signal (p.Tyr2281*) in the ATM gene. It is expected to result in an absent or disrupted protein product. Loss-of-function variants in ATM are known to be pathogenic (PMID: 23807571, 25614872). This variant is not present in population databases (gnomAD no frequency). This variant has not been reported in the literature in individuals affected with ATM-related conditions. ClinVar contains an entry for this variant (Variation ID: 524394). Algorithms developed to predict the effect of sequence changes on RNA splicing suggest that this variant may disrupt the consensus splice site. For these reasons, this variant has been classified as Pathogenic.

Ambry Genetics
Classification: Pathogenic for Hereditary cancer-predisposing syndrome. Last evaluated: 2025-02-14. Review status: criteria provided, single submitter. Criteria: Ambry Variant Classification Scheme 2023. Collection method: clinical testing. Allele origin: germline.
Comment: The p.Y2281* pathogenic mutation (also known as c.6843C>G), located in coding exon 46 of the ATM gene, results from a C to G substitution at nucleotide position 6843. This changes the amino acid from a tyrosine to a stop codon within coding exon 46. This alteration was identified in an individual diagnosed with pancreatic cancer (Yurgelun MB et al. Genet Med, 2019 01;21:213-223). In addition to the clinical data presented in the literature, this alteration is expected to result in loss of function by premature protein truncation or nonsense-mediated mRNA decay. As such, this alteration is interpreted as a disease-causing mutation.

Myriad Genetics, Inc.
Classification: Pathogenic for Familial cancer of breast. Last evaluated: 2024-01-30. Review status: criteria provided, single submitter. Criteria: Myriad Autosomal Dominant, Autosomal Recessive and X-Linked Classification Criteria (2023). Collection method: clinical testing. Allele origin: unknown.
Comment: This variant is considered pathogenic. This variant creates a termination codon and is predicted to result in premature protein truncation.

GeneDx
Classification: Pathogenic. Last evaluated: 2023-07-03. Review status: criteria provided, single submitter. Criteria: GeneDx Variant Classification Process June 2021. Collection method: clinical testing. Allele origin: germline. Affected: yes.
Comment: Nonsense variant predicted to result in protein truncation or nonsense mediated decay in a gene for which loss of function is a known mechanism of disease; Not observed at significant frequency in large population cohorts (gnomAD); Truncating variants in this gene are considered pathogenic by a well-established clinical consortium and/or database; This variant is associated with the following publications: (PMID: 29961768)

Literature cited by the submitters: PubMed 23807571 (cited by Labcorp Genetics (formerly Invitae), Labcorp); PubMed 25614872 (cited by Labcorp Genetics (formerly Invitae), Labcorp); PubMed 29961768 (cited by Ambry Genetics).

NM_000051.4(ATM):c.6843C>G (p.Tyr2281Ter)

Genes: ATM (ATM serine/threonine kinase; plus strand), C11orf65 (chromosome 11 open reading frame 65; minus strand). Cytogenetic location: 11q22.3.
Variant type: single nucleotide variant.
Coding change: c.6843C>G on transcript NM_000051.4 (MANE Select); coding-DNA position 6843, C replaced by G.
Protein change: p.Tyr2281Ter; replaces tyrosine 2281 with a stop codon.
Molecular consequence: nonsense. On other transcripts: intron variant (2).
Genome position (GRCh38, 1-based): chr11:108,326,093, C>G. VCF-style: chr11-108326093-C-G. GRCh37 (hg19) VCF-style: chr11-108196820-C-G.
Other names: c.6843C>G, p.Tyr2281Ter (NM_001351834.2); c.641-17022G>C (NM_001330368.2); c.*38+9127G>C (NM_001351110.2); short protein forms Y2281*.
Identifiers: ClinVar variation 524394 (VCV000524394.12), dbSNP rs1555119797, ClinGen allele CA382556650.